The following is an entry in ClinVar:

ClinVar aggregate classification (germline): Pathogenic (1 of 4 stars; one submission).

Conditions:
Neurofibromatosis, type 1 (NF1). Also called: Peripheral type neurofibromatosis; VON RECKLINGHAUSEN DISEASE; Neurofibromatosis, type I; NEUROFIBROMATOSIS, TYPE I, SOMATIC. Identifiers: Orphanet 636, MedGen C0027831, MONDO:0018975, OMIM 162200. Disease mechanism: loss of function.

Submission:

Labcorp Genetics (formerly Invitae), Labcorp
Classification: Pathogenic for Neurofibromatosis, type 1. Last evaluated: 2024-03-18. Review status: criteria provided, single submitter. Criteria: Invitae Variant Classification Sherloc (09022015). Collection method: clinical testing. Allele origin: germline.
Comment: This sequence change creates a premature translational stop signal (p.His2322Phefs*3) in the NF1 gene. It is expected to result in an absent or disrupted protein product. Loss-of-function variants in NF1 are known to be pathogenic (PMID: 10712197, 23913538). This variant is not present in population databases (gnomAD no frequency). This variant has not been reported in the literature in individuals affected with NF1-related conditions. For these reasons, this variant has been classified as Pathogenic.

Literature cited by the submitters: PubMed 10712197; PubMed 23913538.

NM_001042492.3(NF1):c.7027_7031del (p.His2343fs)

Gene: NF1 (neurofibromin 1; plus strand). Cytogenetic location: 17q11.2.
Variant type: Deletion.
Coding change: c.7027_7031del on transcript NM_001042492.3 (MANE Select); coding-DNA positions 7027 to 7031, 5 bases deleted (CATAC; older notation c.7027_7031delCATAC).
Protein change: p.His2343fs; shifts the reading frame from histidine 2343.
Molecular consequence: frameshift variant.
Genome position (GRCh38, 1-based): chr17:31,340,610-31,340,614, CATAC deleted. VCF-style (leftmost placement, unchanged base first): chr17-31340609-GCATAC-G. GRCh37 (hg19) VCF-style: chr17-29667627-GCATAC-G.
Other names: c.6964_6968delCATAC, p.His2322Phefs (NM_000267.4); short protein forms H2322fs, H2343fs.
Identifiers: ClinVar variation 3646593 (VCV003646593.2).